The following is an entry in ClinVar:

ClinVar aggregate classification (germline): Pathogenic (1 of 4 stars; one submission).

Conditions:
Treacher Collins syndrome 1 (TCS1). Also called: TCOF1-Related Treacher Collins Syndrome. Identifiers: Orphanet 861, MedGen CN315775, MONDO:0007944, OMIM 154500.

Submission:

Labcorp Genetics (formerly Invitae), Labcorp
Classification: Pathogenic for Treacher Collins syndrome 1. Last evaluated: 2018-10-03. Review status: criteria provided, single submitter. Criteria: Invitae Variant Classification Sherloc (09022015). Collection method: clinical testing. Allele origin: germline.
Comment: For these reasons, this variant has been classified as Pathogenic. Loss-of-function variants in TCOF1 are known to be pathogenic (PMID: 8894686, 22317976). This sequence change creates a premature translational stop signal (p.Thr1208Profs*4) in the TCOF1 gene. It is expected to result in an absent or disrupted protein product. This variant has not been reported in the literature in individuals with TCOF1-related disease. This variant is not present in population databases (ExAC no frequency).

Literature cited by the submitters: PubMed 8894686; PubMed 22317976.

NM_001371623.1(TCOF1):c.3625del (p.Thr1209fs)

Gene: TCOF1 (treacle ribosome biogenesis factor 1; plus strand). Cytogenetic location: 5q32.
Variant type: Deletion.
Coding change: c.3625del on transcript NM_001371623.1 (MANE Select); coding-DNA position 3625, one base deleted (A; older notation c.3625delA).
Protein change: p.Thr1209fs; shifts the reading frame from threonine 1209.
Molecular consequence: frameshift variant.
Genome position (GRCh38, 1-based): chr5:150,393,393, A deleted. VCF-style (leftmost placement, unchanged base first): chr5-150393392-GA-G. GRCh37 (hg19) VCF-style: chr5-149772955-GA-G.
Other names: c.3622delA (NM_001135243.1); c.3391del, p.Thr1131fs (NM_000356.4); c.3622del, p.Thr1208fs (NM_001135243.2); c.3511del, p.Thr1171fs (NM_001135244.2); c.3394del, p.Thr1132fs (NM_001135245.2); c.3508del, p.Thr1170fs (NM_001195141.2); short protein forms T1208fs, T1131fs, T1132fs, T1171fs, T1170fs, T1209fs.
Identifiers: ClinVar variation 653704 (VCV000653704.7), dbSNP rs1581210464, ClinGen allele CA915942662.